The following is an entry in ClinVar:

NM_000390.4(CHM):c.1104T>C (p.Tyr368=)

Gene: CHM (CHM Rab escort protein; minus strand). Cytogenetic location: Xq21.2.
Variant type: single nucleotide variant.
Coding change: c.1104T>C on transcript NM_000390.4 (MANE Select); coding-DNA position 1104, T replaced by C.
Protein change: p.Tyr368=; no amino-acid change (tyrosine 368 retained).
Molecular consequence: synonymous variant.
Genome position (GRCh38, 1-based): chrX:85,956,215, A>G on the plus strand (T>C on the coding strand, the complement: CHM is on the minus strand). VCF-style: chrX-85956215-A-G. GRCh37 (hg19) VCF-style: chrX-85211220-A-G.
Other names: c.660T>C, p.Tyr220= (NM_001320959.1, NM_001362517.1, NM_001362518.2 and 1 more transcripts); c.1104T>C (NM_000390.3).
Identifiers: ClinVar variation 1160140 (VCV001160140.10), dbSNP rs1392524059, ClinGen allele CA517490954.

ClinVar aggregate classification (germline): Likely benign. Review status: criteria provided, multiple submitters, no conflicts (2 of 4 stars). 2 submissions from 2 submitters: Likely benign (2). Last evaluated 2026-08-20.

Conditions:
CHM-related disorder. Also called: CHM-related condition.

Allele frequency attached by ClinVar (database versions not stated): gnomAD exomes 0.00001 and 0.00002.
gnomAD v4.1: 14 of 1,211,448 alleles (0.0012%); highest among the groups gnomAD compares: Non-Finnish European, 0.0015%; no homozygotes.

Submissions (2):

PreventionGenetics, part of Exact Sciences
Classification: Likely benign for CHM-related condition. Last evaluated: 2026-08-20. Review status: criteria provided, single submitter. Criteria: ACMG Guidelines, 2015. Collection method: clinical testing. Allele origin: germline.
Comment: This variant is classified as likely benign based on ACMG/AMP sequence variant interpretation guidelines (Richards et al. 2015 PMID: 25741868, with internal and published modifications).

Labcorp Genetics (formerly Invitae), Labcorp
Classification: Likely benign. Last evaluated: 2025-03-17. Review status: criteria provided, single submitter. Criteria: Invitae Variant Classification Sherloc (09022015). Collection method: clinical testing. Allele origin: germline.